The following is an entry in ClinVar:

NM_001128840.3(CACNA1D):c.4634T>C (p.Met1545Thr)

Gene: CACNA1D (calcium voltage-gated channel subunit alpha1 D; plus strand). Cytogenetic location: 3p21.1.
Variant type: single nucleotide variant.
Coding change: c.4634T>C on transcript NM_001128840.3 (MANE Select); coding-DNA position 4634, T replaced by C.
Protein change: p.Met1545Thr; replaces methionine 1545 with threonine.
Molecular consequence: missense variant.
Genome position (GRCh38, 1-based): chr3:53,780,072, T>C. VCF-style: chr3-53780072-T-C. GRCh37 (hg19) VCF-style: chr3-53814099-T-C.
Other names: c.4694T>C, p.Met1565Thr (NM_000720.4); c.4589T>C, p.Met1530Thr (NM_001128839.3); short protein forms M1565T, M1530T, M1545T.
Identifiers: ClinVar variation 4602652 (VCV004602652.1).
Genomic context (GRCh38, chr3:53,780,072, plus strand): 5'-CTTTCTGTTTACAGAGATTAGTTGCCATGAACATGCCTCTCAACAGTGACGGGACAGTCA[T>C]GTTTAATGCAACCCTGTTTGCTTTGGTTCGAACGGCTCTTAAGATCAAGACCGAAGGTGA-3'
Protein context (NP_001122312.1, residues 1535-1555): NMPLNSDGTV[Met1545Thr]FNATLFALVR

ClinVar aggregate classification (germline): Uncertain significance (1 of 4 stars; one submission).

Conditions:
Inborn genetic diseases. Identifiers: MedGen C0950123, MeSH D030342.

Submission:

Ambry Genetics
Classification: Uncertain significance for Inborn genetic diseases. Last evaluated: 2025-11-03. Review status: criteria provided, single submitter. Criteria: Ambry Variant Classification Scheme 2023. Collection method: clinical testing. Allele origin: germline.
Comment: The c.4694T>C (p.M1565T) alteration is located in exon 39 (coding exon 39) of the CACNA1D gene. This alteration results from a T to C substitution at nucleotide position 4694, causing the methionine (M) at amino acid position 1565 to be replaced by a threonine (T). Based on data from gnomAD, the C allele has an overall frequency of <0.001% (1/251478) total alleles studied. The highest observed frequency was 0.003% (1/30616) of South Asian alleles. Based on insufficient or conflicting evidence, the clinical significance of this alteration remains unclear.